The following is an entry in ClinVar:

ClinVar aggregate classification (germline): Conflicting classifications of pathogenicity. Review status: criteria provided, conflicting classifications (1 of 4 stars). 5 submissions from 5 submitters: Uncertain significance (3); Likely benign (2). Last evaluated 2026-01-27.

Conditions:
Inborn genetic diseases. Identifiers: MedGen C0950123, MeSH D030342.

Allele frequency attached by ClinVar (database versions not stated): ESP Exome Variant Server 0.00169; 1000 Genomes Project 30x 0.00187; 1000 Genomes Project 0.00220; TOPMed 0.00221; gnomAD 0.00235.
gnomAD v4.1: 569 of 1,613,930 alleles (0.035%); highest among the groups gnomAD compares: African/African-American, 0.7%; 3 homozygotes.

Submissions (5):

Labcorp Genetics (formerly Invitae), Labcorp
Classification: Likely benign. Last evaluated: 2026-01-27. Review status: criteria provided, single submitter. Criteria: Invitae Variant Classification Sherloc (09022015). Collection method: clinical testing. Allele origin: germline.

Ambry Genetics
Classification: Uncertain significance for Inborn genetic diseases. Last evaluated: 2025-08-28. Review status: criteria provided, single submitter. Criteria: Ambry Variant Classification Scheme 2023. Collection method: clinical testing. Allele origin: germline.

Blueprint Genetics
Classification: Uncertain significance. Last evaluated: 2024-09-02. Review status: criteria provided, single submitter. Criteria: ACMG Guidelines, 2015. Collection method: clinical testing. Allele origin: germline.

CeGaT Center for Human Genetics Tuebingen
Classification: Likely benign. Last evaluated: 2022-07-01. Review status: criteria provided, single submitter. Criteria: CeGaT Center For Human Genetics Tuebingen Variant Classification Criteria Version 2. Collection method: clinical testing. Allele origin: germline. Affected: yes. Observed: 1 variant allele.
Comment: DUOX2: BP4

GeneDx
Classification: Uncertain significance. Last evaluated: 2021-05-05. Review status: criteria provided, single submitter. Criteria: GeneDx Variant Classification Process June 2021. Collection method: clinical testing. Allele origin: germline. Affected: yes.
Comment: Has not been previously published as pathogenic or benign to our knowledge; In silico analysis supports that this missense variant does not alter protein structure/function; In-silico analysis, which includes splice predictors and evolutionary conservation, is inconclusive as to whether the variant alters gene splicing. In the absence of RNA/functional studies, the actual effect of this sequence change is unknown.

NM_001363711.2(DUOX2):c.2950G>T (p.Ala984Ser)

Gene: DUOX2 (dual oxidase 2; minus strand). Cytogenetic location: 15q21.1.
Variant type: single nucleotide variant.
Coding change: c.2950G>T on transcript NM_001363711.2 (MANE Select); coding-DNA position 2950, G replaced by T.
Protein change: p.Ala984Ser; replaces alanine 984 with serine.
Molecular consequence: missense variant.
Genome position (GRCh38, 1-based): chr15:45,100,810, C>A on the plus strand (G>T on the coding strand, the complement: DUOX2 is on the minus strand). VCF-style: chr15-45100810-C-A. GRCh37 (hg19) VCF-style: chr15-45393008-C-A.
Other names: c.2950G>T, p.Ala984Ser (NM_014080.5); short protein forms A984S.
Identifiers: ClinVar variation 721705 (VCV000721705.37), dbSNP rs138358075, ClinGen allele CA7538064.